The following is an entry in ClinVar:

ClinVar aggregate classification (germline): Conflicting classifications of pathogenicity. Review status: criteria provided, conflicting classifications (1 of 4 stars). 8 submissions from 8 submitters: Uncertain significance (1); Benign (5); Likely benign (2). Last evaluated 2026-06-01.

Conditions:
Autosomal recessive limb-girdle muscular dystrophy type 2N. Also called: MUSCULAR DYSTROPHY-DYSTROGLYCANOPATHY, LIMB-GIRDLE, POMT2-RELATED; Muscular dystrophy-dystroglycanopathy (limb-girdle), type C, 2. Identifiers: Orphanet 206559, MedGen C3150418, MONDO:0013162, OMIM 613158.
Muscular dystrophy-dystroglycanopathy (congenital with brain and eye anomalies), type A2. Also called: MUSCULAR DYSTROPHY-DYSTROGLYCANOPATHY (CONGENITAL WITH BRAIN AND EYE ANOMALIES), TYPE A, 2; WALKER-WARBURG SYNDROME OR MUSCLE-EYE-BRAIN DISEASE, POMT2-RELATED. Identifiers: Orphanet 588, Orphanet 899, MedGen C3150411, MONDO:0013154, OMIM 613150.
Muscular dystrophy-dystroglycanopathy (congenital with impaired intellectual development), type B, 2. Also called: MUSCULAR DYSTROPHY, CONGENITAL, POMT2-RELATED; Muscular dystrophy-dystroglycanopathy (congenital with intellectual disability), type B2. Identifiers: MedGen C3150416, MONDO:0013160, OMIM 613156.

Allele frequency attached by ClinVar (database versions not stated): 1000 Genomes Project 30x 0.00141; TOPMed 0.00148; gnomAD 0.00158 and 0.00172; 1000 Genomes Project 0.00180; ESP Exome Variant Server 0.00192; gnomAD exomes 0.00207 and 0.00276; ExAC 0.00224.
gnomAD v4.1: 4,280 of 1,613,352 alleles (0.27%); highest among the groups gnomAD compares: South Asian, 0.64%; 11 homozygotes.

Submissions (8):

CeGaT Center for Human Genetics Tuebingen
Classification: Likely benign. Last evaluated: 2026-06-01. Review status: criteria provided, single submitter. Criteria: CeGaT Center For Human Genetics Tuebingen Variant Classification Criteria Version 2. Collection method: clinical testing. Allele origin: germline. Affected: yes. Observed: 21 variant alleles.
Comment: POMT2: BP4, BP7

Labcorp Genetics (formerly Invitae), Labcorp
Classification: Benign for Muscular dystrophy-dystroglycanopathy (congenital with impaired intellectual development), type B, 2; Muscular dystrophy-dystroglycanopathy (congenital with brain and eye anomalies), type A2; Autosomal recessive limb-girdle muscular dystrophy type 2N. Last evaluated: 2026-02-04. Review status: criteria provided, single submitter. Criteria: Invitae Variant Classification Sherloc (09022015). Collection method: clinical testing. Allele origin: germline.

Mayo Clinic Laboratories, Mayo Clinic
Classification: Benign. Last evaluated: 2025-03-17. Review status: criteria provided, single submitter. Criteria: ACMG Guidelines, 2015. Collection method: clinical testing. Allele origin: germline. Observed: 6 variant alleles.
Comment: BA1, BS2, BP4, BP7

Blueprint Genetics
Classification: Likely benign. Last evaluated: 2024-11-25. Review status: criteria provided, single submitter. Criteria: ACMG Guidelines, 2015. Collection method: clinical testing. Allele origin: germline.

Illumina Laboratory Services, Illumina
Classification: Uncertain significance for Autosomal recessive limb-girdle muscular dystrophy type 2N. Last evaluated: 2018-01-13. Review status: criteria provided, single submitter. Criteria: ICSL Variant Classification Criteria 13 December 2019. Collection method: clinical testing. Allele origin: germline.

Athena Diagnostics
Classification: Benign. Last evaluated: 2017-04-21. Review status: criteria provided, single submitter. Criteria: Athena Diagnostics Criteria. Collection method: clinical testing. Allele origin: germline.

GeneDx
Classification: Benign. Last evaluated: 2015-03-03. Review status: criteria provided, single submitter. Criteria: GeneDx Variant Classification Process June 2021. Collection method: clinical testing. Allele origin: germline. Affected: yes.

Eurofins Ntd Llc (ga)
Classification: Benign. Last evaluated: 2014-11-14. Review status: criteria provided, single submitter. Criteria: EGL Classification Definitions 2015. Collection method: clinical testing. Allele origin: germline. Observed: 1 variant allele, 1 heterozygote.

Literature cited by the submitters: PubMed 17878207 (cited by Athena Diagnostics).

NM_013382.7(POMT2):c.1881G>A (p.Ala627=)

Gene: POMT2 (protein O-mannosyltransferase 2; minus strand). Cytogenetic location: 14q24.3.
Variant type: single nucleotide variant.
Coding change: c.1881G>A on transcript NM_013382.7 (MANE Select); coding-DNA position 1881, G replaced by A.
Protein change: p.Ala627=; no amino-acid change (alanine 627 retained).
Molecular consequence: synonymous variant.
Genome position (GRCh38, 1-based): chr14:77,279,833, C>T on the plus strand (G>A on the coding strand, the complement: POMT2 is on the minus strand). VCF-style: chr14-77279833-C-T. GRCh37 (hg19) VCF-style: chr14-77746176-C-T.
Other names: p.Ala627=.
Identifiers: ClinVar variation 194863 (VCV000194863.57), dbSNP rs146588608, ClinGen allele CA201393.